The following is an entry in ClinVar:

NM_170754.4(TNS2):c.198G>A (p.Ala66=)

Genes: TNS2 (tensin 2; plus strand), TNS2-AS1 (TNS2 antisense RNA 1; minus strand). Cytogenetic location: 12q13.13.
Variant type: single nucleotide variant.
Coding change: c.198G>A on transcript NM_170754.4 (MANE Select); coding-DNA position 198, G replaced by A.
Protein change: p.Ala66=; no amino-acid change (alanine 66 retained).
Molecular consequence: synonymous variant. On other transcripts: 5 prime UTR variant (1).
Genome position (GRCh38, 1-based): chr12:53,052,468, G>A. VCF-style: chr12-53052468-G-A. GRCh37 (hg19) VCF-style: chr12-53446252-G-A.
Other names: c.198G>A, p.Ala66= (NM_001416202.1, NM_001416204.1); c.129G>A, p.Ala43= (NM_001416203.1, NM_015319.3); c.-175G>A (NM_198316.2).
Identifiers: ClinVar variation 3054559 (VCV003054559.2), dbSNP rs370897636, ClinGen allele CA6591822.
Genomic context (GRCh38, chr12:53,052,468, plus strand): 5'-GTCCCACAGGCCCCTGCTAACCCCTCTCCTCCCCTTACCTTCCCTAGTCTGCAAGGTGGC[G>A]ACGCACAGAAAATGTGAAGCAAAGGTGGGTATCTGATTCTACCTGATAGGGGGAGAGGGT-3'
Protein context (NP_736610.2, residues 56-76): TGVSCRVCKV[Ala66=]THRKCEAKVT

ClinVar aggregate classification (germline): Likely benign (0 of 4 stars; one submission).

Conditions:
TNS2-related disorder. Also called: TNS2-related condition.

Allele frequency attached by ClinVar (database versions not stated): ExAC 0.00002; gnomAD 0.00007; TOPMed 0.00007; ESP Exome Variant Server 0.00008; gnomAD exomes 0.00008.

Submission:

PreventionGenetics, part of Exact Sciences
Classification: Likely benign for TNS2-related condition. Last evaluated: 2023-01-27. Review status: no assertion criteria provided. Collection method: clinical testing. Allele origin: germline.
Comment: This variant is classified as likely benign based on ACMG/AMP sequence variant interpretation guidelines (Richards et al. 2015 PMID: 25741868, with internal and published modifications).